The following is an entry in ClinVar:

NC_012920.1(MT-ND5):m.13145G>A

Gene: MT-ND5 (mitochondrially encoded NADH dehydrogenase 5; plus strand).
Variant type: single nucleotide variant.
Genome position: chrM-13145-G-A.
Identifiers: ClinVar variation 693525 (VCV000693525.2), dbSNP rs386829175, ClinGen allele CA337099638.

ClinVar aggregate classification (germline): Benign. Review status: criteria provided, multiple submitters, no conflicts (2 of 4 stars). 2 submissions from 2 submitters: Benign (2). Last evaluated 2025-02-16.

Conditions:
Leigh syndrome (NULS). Also called: Leigh's necrotizing encephalopathy; Leigh's disease; Leigh Syndrome (mtDNA deletion); Leigh Disease; Subacute necrotizing encephalopathy; Necrotizing encephalopathy infantile subacute of Leigh. Identifiers: Orphanet 506, MedGen C2931891, MONDO:0009723, OMIM 256000.

Submissions (2):

Laboratory of Genetics, Children's Clinical University Hospital Latvia
Classification: Benign. Last evaluated: 2025-02-16. Review status: criteria provided, single submitter. Criteria: ACMG Guidelines, 2015. Collection method: clinical testing. Allele origin: germline. Affected: yes.

Wong Mito Lab, Molecular and Human Genetics, Baylor College of Medicine
Classification: Benign for Leigh syndrome. Last evaluated: 2019-10-17. Review status: criteria provided, single submitter. Criteria: Modified ACMG Guidelines (Unpublished). Collection method: clinical testing. Allele origin: germline.
Comment: The NC_012920.1:m.13145G>A (YP_003024036.1:p.Ser270Asn) variant in MTND5 gene is interpretated to be a Benign variant based on the modified ACMG guidelines (unpublished). This variant meets the following evidence codes: BA1